The following is an entry in ClinVar:

ClinVar aggregate classification (germline): Likely benign (1 of 4 stars; one submission).

Allele frequency attached by ClinVar (database versions not stated): 1000 Genomes Project 0.00020; 1000 Genomes Project 30x 0.00031; gnomAD exomes 0.00100; TOPMed 0.00134; gnomAD 0.00145; ESP Exome Variant Server 0.00154; ExAC 0.00159.
gnomAD v4.1: 1,804 of 1,614,040 alleles (0.11%); highest among the groups gnomAD compares: Middle Eastern, 0.033%; 28 homozygotes.

Submission:

CeGaT Center for Human Genetics Tuebingen
Classification: Likely benign. Last evaluated: 2023-11-01. Review status: criteria provided, single submitter. Criteria: CeGaT Center For Human Genetics Tuebingen Variant Classification Criteria Version 2. Collection method: clinical testing. Allele origin: germline. Affected: yes. Observed: 1 variant allele.
Comment: SLC43A1: BP4, BP7

NM_003627.6(SLC43A1):c.567C>T (p.Tyr189=)

Gene: SLC43A1 (solute carrier family 43 member 1; minus strand). Cytogenetic location: 11q12.1.
Variant type: single nucleotide variant.
Coding change: c.567C>T on transcript NM_003627.6 (MANE Select); coding-DNA position 567, C replaced by T.
Protein change: p.Tyr189=; no amino-acid change (tyrosine 189 retained).
Molecular consequence: synonymous variant.
Genome position (GRCh38, 1-based): chr11:57,496,156, G>A on the plus strand (C>T on the coding strand, the complement: SLC43A1 is on the minus strand). VCF-style: chr11-57496156-G-A. GRCh37 (hg19) VCF-style: chr11-57263629-G-A.
Other names: c.567C>T, p.Tyr189= (NM_001198810.2).
Identifiers: ClinVar variation 2672466 (VCV002672466.23), dbSNP rs148673316, ClinGen allele CA6006967.